The following is an entry in ClinVar:

NM_181882.3(PRX):c.4130G>A (p.Arg1377His)

Gene: PRX (periaxin; minus strand). Cytogenetic location: 19q13.2.
Variant type: single nucleotide variant.
Coding change: c.4130G>A on transcript NM_181882.3 (MANE Select); coding-DNA position 4130, G replaced by A.
Protein change: p.Arg1377His; replaces arginine 1377 with histidine.
Molecular consequence: missense variant. On other transcripts: 3 prime UTR variant (1).
Genome position (GRCh38, 1-based): chr19:40,394,222, C>T on the plus strand (G>A on the coding strand, the complement: PRX is on the minus strand). VCF-style: chr19-40394222-C-T. GRCh37 (hg19) VCF-style: chr19-40900129-C-T.
Other names: c.*4335G>A (NM_020956.2); short protein forms R1377H.
Identifiers: ClinVar variation 583179 (VCV000583179.12), dbSNP rs200835105, ClinGen allele CA9443685.
Genomic context (GRCh38, chr19:40,394,222, plus strand): 5'-GCATCGCCCTCCTGCCCCCGAGAGGCTTTAGAAGGGGCCGCCAGGCCTACACGTGGCAAG[C>T]GGACCCGGACCCGGCCCCGGCGACCCGAGGCCCCTTCCCCACTGCCCTCTTCCTCCTCCT-3'
Protein context (NP_870998.2, residues 1367-1387): ASGRRGRVRV[Arg1377His]LPRVGLAAPS

ClinVar aggregate classification (germline): Uncertain significance. Review status: criteria provided, multiple submitters, no conflicts (2 of 4 stars). 2 submissions from 2 submitters: Uncertain significance (2). Last evaluated 2025-08-31.

Conditions:
Inborn genetic diseases. Identifiers: MedGen C0950123, MeSH D030342.
Charcot-Marie-Tooth disease type 4. Also called: Charcot-Marie-Tooth disease, type IV; Charcot-Marie-Tooth, Type 4. Identifiers: Orphanet 64749, MedGen C4082197, MONDO:0018995.

Allele frequency attached by ClinVar (database versions not stated): gnomAD exomes 0.00004 and 0.00003; gnomAD 0.00005 and 0.00004; TOPMed 0.00009; 1000 Genomes Project 30x 0.00016; 1000 Genomes Project 0.00020; ExAC 0.00003.
gnomAD v4.1: 54 of 1,599,206 alleles (0.0034%); highest among the groups gnomAD compares: African/African-American, 0.027%; no homozygotes.

Submissions (2):

Ambry Genetics
Classification: Uncertain significance for Inborn genetic diseases. Last evaluated: 2025-08-31. Review status: criteria provided, single submitter. Criteria: Ambry Variant Classification Scheme 2023. Collection method: clinical testing. Allele origin: germline.

Labcorp Genetics (formerly Invitae), Labcorp
Classification: Uncertain significance for Charcot-Marie-Tooth disease type 4. Last evaluated: 2022-03-09. Review status: criteria provided, single submitter. Criteria: Invitae Variant Classification Sherloc (09022015). Collection method: clinical testing. Allele origin: germline.
Comment: ClinVar contains an entry for this variant (Variation ID: 583179). This variant has not been reported in the literature in individuals affected with PRX-related conditions. This variant is present in population databases (rs200835105, gnomAD 0.03%). This sequence change replaces arginine, which is basic and polar, with histidine, which is basic and polar, at codon 1377 of the PRX protein (p.Arg1377His). Algorithms developed to predict the effect of missense changes on protein structure and function output the following: SIFT: "Deleterious"; PolyPhen-2: "Possibly Damaging"; Align-GVGD: "Class C0". The histidine amino acid residue is found in multiple mammalian species, which suggests that this missense change does not adversely affect protein function. In summary, the available evidence is currently insufficient to determine the role of this variant in disease. Therefore, it has been classified as a Variant of Uncertain Significance.